The following is an entry in ClinVar:

ClinVar aggregate classification (germline): Uncertain significance (1 of 4 stars; one submission).

Conditions:
Hyperinsulinism-hyperammonemia syndrome (HHF6). Identifiers: Orphanet 35878, MedGen C1847555, MONDO:0011717, OMIM 606762.

Allele frequency attached by ClinVar (database versions not stated): TOPMed 0.00003.
gnomAD v4.1: 56 of 1,613,718 alleles (0.0035%); highest among the groups gnomAD compares: Non-Finnish European, 0.0042%; no homozygotes.

Submission:

Labcorp Genetics (formerly Invitae), Labcorp
Classification: Uncertain significance for Hyperinsulinism-hyperammonemia syndrome. Last evaluated: 2022-06-23. Review status: criteria provided, single submitter. Criteria: Invitae Variant Classification Sherloc (09022015). Collection method: clinical testing. Allele origin: germline.
Comment: In summary, the available evidence is currently insufficient to determine the role of this variant in disease. Therefore, it has been classified as a Variant of Uncertain Significance. Algorithms developed to predict the effect of missense changes on protein structure and function are either unavailable or do not agree on the potential impact of this missense change (SIFT: "Not Available"; PolyPhen-2: "Benign"; Align-GVGD: "Not Available"). This variant has not been reported in the literature in individuals affected with GLUD1-related conditions. This variant is present in population databases (rs200631775, gnomAD 0.0009%). This sequence change replaces arginine, which is basic and polar, with glycine, which is neutral and non-polar, at codon 103 of the GLUD1 protein (p.Arg103Gly).

NM_005271.5(GLUD1):c.307C>G (p.Arg103Gly)

Gene: GLUD1 (glutamate dehydrogenase 1; minus strand). Cytogenetic location: 10q23.2.
Variant type: single nucleotide variant.
Coding change: c.307C>G on transcript NM_005271.5 (MANE Select); coding-DNA position 307, C replaced by G.
Protein change: p.Arg103Gly; replaces arginine 103 with glycine.
Molecular consequence: missense variant. On other transcripts: 5 prime UTR variant (3).
Genome position (GRCh38, 1-based): chr10:87,094,463, G>C on the plus strand (C>G on the coding strand, the complement: GLUD1 is on the minus strand). VCF-style: chr10-87094463-G-C. GRCh37 (hg19) VCF-style: chr10-88854220-G-C.
Other names: c.-422C>G (NM_001318904.2); c.-548C>G (NM_001318905.2); c.-255C>G (NM_001318906.2); short protein forms R103G.
Identifiers: ClinVar variation 1981798 (VCV001981798.4), dbSNP rs200631775, ClinGen allele CA211192438.
Genomic context (GRCh38, chr10:87,094,463, plus strand): 5'-GGATGGGGAAGGAGAGACTCAGCACATGGTTGCAGGGCTTGATGATCCGCAGGATGCCGC[G>C]CACCCGGTTCCGCTTCTGCTCCTCGCTCTCCCGGGTCCTCAGGTCCTCCACCAGCTTGTC-3'
Protein context (NP_005262.1, residues 93-113): ESEEQKRNRV[Arg103Gly]GILRIIKPCN